The following is an entry in ClinVar:

ClinVar aggregate classification (germline): Uncertain significance (1 of 4 stars; one submission).

Submission:

Dasa
Classification: Uncertain significance. Last evaluated: 2025-08-27. Review status: criteria provided, single submitter. Criteria: DASA Assertion Criteria. Collection method: clinical testing. Allele origin: germline.
Comment: NM_020461.4(TUBGCP6):c.3812C>G (p.Pro1271Arg) is a missense variant that results in the substitution of proline with arginine. This variant is absent from population databases. Computational prediction algorithms are consistent with a benign effect. The currently available literature and clinical evidence are not sufficient to establish a definitive association between this variant and the reported condition. Therefore, this variant is classified as a variant of uncertain significance.

NM_020461.4(TUBGCP6):c.3812C>G (p.Pro1271Arg)

Gene: TUBGCP6 (tubulin gamma complex component 6; minus strand). Cytogenetic location: 22q13.33.
Variant type: single nucleotide variant.
Coding change: c.3812C>G on transcript NM_020461.4 (MANE Select); coding-DNA position 3812, C replaced by G.
Protein change: p.Pro1271Arg; replaces proline 1271 with arginine.
Molecular consequence: missense variant.
Genome position (GRCh38, 1-based): chr22:50,220,547, G>C on the plus strand (C>G on the coding strand, the complement: TUBGCP6 is on the minus strand). VCF-style: chr22-50220547-G-C. GRCh37 (hg19) VCF-style: chr22-50658976-G-C.
Other names: short protein forms P1271R.
Identifiers: ClinVar variation 4886209 (VCV004886209.2).